The following is an entry in ClinVar:

NM_025099.6(CTC1):c.848_849dup (p.Thr284Ter)

Gene: CTC1 (CST telomere replication complex component 1; minus strand). Cytogenetic location: 17p13.1.
Variant type: Duplication.
Coding change: c.848_849dup on transcript NM_025099.6 (MANE Select); coding-DNA positions 848 to 849, 2 bases duplicated (TG; older notation c.848_849dupTG).
Protein change: p.Thr284Ter; replaces threonine 284 with a stop codon.
Molecular consequence: nonsense. On other transcripts: non-coding transcript variant (1).
Genome position (GRCh38, 1-based): chr17:8,236,286-8,236,287, CA duplicated on the plus strand (TG on the coding strand, the reverse complement: CTC1 is on the minus strand). VCF-style (leftmost placement, unchanged base first): chr17-8236285-T-TCA. GRCh37 (hg19) VCF-style: chr17-8139603-T-TCA.
Other names: c.848_849dup, p.Thr284Ter (NM_001411067.1); short protein forms T284*.
Identifiers: ClinVar variation 5005858 (VCV005005858.2).

ClinVar aggregate classification (germline): Likely pathogenic (1 of 4 stars; one submission).

Conditions:
Cerebroretinal microangiopathy with calcifications and cysts 1 (CRMCC1). Identifiers: Orphanet 313838, MedGen C4552029, MONDO:0024564, OMIM 612199.

Submission:

Juno Genomics, Hangzhou Juno Genomics, Inc
Classification: Likely pathogenic for Cerebroretinal microangiopathy with calcifications and cysts 1. Review status: criteria provided, single submitter. Criteria: ACMG Guidelines, 2015. Collection method: clinical testing. Allele origin: germline.
Comment: Null variant in a gene where loss of function (LOF) is a known mechanism of disease.;Absent from controls (or at extremely low frequency if recessive) in Genome Aggregation Database.